The following is an entry in ClinVar:

ClinVar aggregate classification (germline): Uncertain significance (1 of 4 stars; one submission).

Conditions:
Renal cell carcinoma. Identifiers: Orphanet 217071, MedGen C0007134, MeSH D002292, MONDO:0005086, HP:0005584.

Submission:

Labcorp Genetics (formerly Invitae), Labcorp
Classification: Uncertain significance for Renal cell carcinoma. Last evaluated: 2021-04-26. Review status: criteria provided, single submitter. Criteria: Invitae Variant Classification Sherloc (09022015). Collection method: clinical testing. Allele origin: germline.
Comment: In summary, the available evidence is currently insufficient to determine the role of this variant in disease. Therefore, it has been classified as a Variant of Uncertain Significance. Algorithms developed to predict the effect of missense changes on protein structure and function are either unavailable or do not agree on the potential impact of this missense change (SIFT: "Deleterious"; PolyPhen-2: "Probably Damaging"; Align-GVGD: "Class C0"). This variant has not been reported in the literature in individuals with MET-related conditions. This variant is not present in population databases (ExAC no frequency). This sequence change replaces tyrosine with serine at codon 738 of the MET protein (p.Tyr738Ser). The tyrosine residue is highly conserved and there is a large physicochemical difference between tyrosine and serine.

NM_000245.4(MET):c.2213A>C (p.Tyr738Ser)

Gene: MET (MET proto-oncogene, receptor tyrosine kinase; plus strand). Cytogenetic location: 7q31.2.
Variant type: single nucleotide variant.
Coding change: c.2213A>C on transcript NM_000245.4 (MANE Select); coding-DNA position 2213, A replaced by C.
Protein change: p.Tyr738Ser; replaces tyrosine 738 with serine.
Molecular consequence: missense variant.
Genome position (GRCh38, 1-based): chr7:116,758,569, A>C. VCF-style: chr7-116758569-A-C. GRCh37 (hg19) VCF-style: chr7-116398623-A-C.
Other names: c.2213A>C, p.Tyr738Ser (NM_001127500.3, NM_001324401.3); c.923A>C, p.Tyr308Ser (NM_001324402.2); short protein forms Y738S, Y308S.
Identifiers: ClinVar variation 1470904 (VCV001470904.8), dbSNP rs2116932101, ClinGen allele CA368980743.